The following is an entry in ClinVar:

ClinVar aggregate classification (germline): Uncertain significance. Review status: criteria provided, multiple submitters, no conflicts (2 of 4 stars). 2 submissions from 2 submitters: Uncertain significance (2). Last evaluated 2022-08-09.

Conditions:
Senior-Loken syndrome 7 (SLSN7). Identifiers: Orphanet 3156, MedGen C3150877, MONDO:0013326, OMIM 613615.
Bardet-Biedl syndrome 16 (BBS16). Identifiers: Orphanet 110, MedGen C3889474, MONDO:0014444, OMIM 615993.

Allele frequency attached by ClinVar (database versions not stated): TOPMed below 0.00001; gnomAD 0.00001.
gnomAD v4.1: 5 of 1,610,590 alleles (0.00031%); highest among the groups gnomAD compares: African/African-American, 0.0027%; no homozygotes.

Submissions (2):

Labcorp Genetics (formerly Invitae), Labcorp
Classification: Uncertain significance for Bardet-Biedl syndrome 16; Senior-Loken syndrome 7. Last evaluated: 2022-08-09. Review status: criteria provided, single submitter. Criteria: Invitae Variant Classification Sherloc (09022015). Collection method: clinical testing. Allele origin: germline.
Comment: In summary, the available evidence is currently insufficient to determine the role of this variant in disease. Therefore, it has been classified as a Variant of Uncertain Significance. Algorithms developed to predict the effect of missense changes on protein structure and function output the following: SIFT: "Tolerated"; PolyPhen-2: "Benign"; Align-GVGD: "Class C0". The asparagine amino acid residue is found in multiple mammalian species, which suggests that this missense change does not adversely affect protein function. ClinVar contains an entry for this variant (Variation ID: 957571). This variant has not been reported in the literature in individuals affected with SDCCAG8-related conditions. This variant is present in population databases (no rsID available, gnomAD 0.0009%). This sequence change replaces aspartic acid, which is acidic and polar, with asparagine, which is neutral and polar, at codon 117 of the SDCCAG8 protein (p.Asp117Asn).

Fulgent Genetics
Classification: Uncertain significance for Senior-Loken syndrome 7; Bardet-Biedl syndrome 16. Last evaluated: 2022-03-10. Review status: criteria provided, single submitter. Criteria: ACMG Guidelines, 2015. Collection method: clinical testing. Allele origin: unknown.

NM_006642.5(SDCCAG8):c.349G>A (p.Asp117Asn)

Gene: SDCCAG8 (SHH signaling and ciliogenesis regulator SDCCAG8; plus strand). Cytogenetic location: 1q43.
Variant type: single nucleotide variant.
Coding change: c.349G>A on transcript NM_006642.5 (MANE Select); coding-DNA position 349, G replaced by A.
Protein change: p.Asp117Asn; replaces aspartic acid 117 with asparagine.
Molecular consequence: missense variant. On other transcripts: 5 prime UTR variant (3).
Genome position (GRCh38, 1-based): chr1:243,274,585, G>A. VCF-style: chr1-243274585-G-A. GRCh37 (hg19) VCF-style: chr1-243437887-G-A.
Other names: c.-764G>A (NM_001350246.2); c.-652G>A (NM_001350247.2); c.349G>A, p.Asp117Asn (NM_001350248.2); c.55G>A, p.Asp19Asn (NM_001350249.2); c.-1025G>A (NM_001350251.2); short protein forms D117N, D19N.
Identifiers: ClinVar variation 957571 (VCV000957571.6), dbSNP rs913322544, ClinGen allele CA40413549.